The following is an entry in ClinVar:

ClinVar aggregate classification (germline): Pathogenic (1 of 4 stars; one submission).

Conditions:
Hereditary cancer-predisposing syndrome. Also called: Tumor predisposition; Neoplastic Syndromes, Hereditary; Hereditary Cancer Syndrome; Hereditary neoplastic syndrome. Identifiers: Orphanet 140162, MedGen C0027672, MeSH D009386, MONDO:0015356.

Submission:

Ambry Genetics
Classification: Pathogenic for Hereditary cancer-predisposing syndrome. Last evaluated: 2020-09-01. Review status: criteria provided, single submitter. Criteria: Ambry Variant Classification Scheme 2023. Collection method: clinical testing. Allele origin: germline.
Comment: The c.1133delG pathogenic mutation, located in coding exon 9 of the BRCA2 gene, results from a deletion of one nucleotide at nucleotide position 1133, causing a translational frameshift with a predicted alternate stop codon (p.S378Mfs*21). This alteration was identified in a large, worldwide study of BRCA1/2 mutation positive families (Rebbeck TR et al. Hum. Mutat., 2018 05;39:593-620). In addition to the clinical data presented in the literature, this alteration is expected to result in loss of function by premature protein truncation or nonsense-mediated mRNA decay. As such, this alteration is interpreted as a disease-causing mutation.

Literature cited by the submitters: PubMed 29446198.

NM_000059.4(BRCA2):c.1133del (p.Ser378fs)

Gene: BRCA2 (BRCA2 DNA repair associated; plus strand). Cytogenetic location: 13q13.1.
Variant type: Deletion.
Coding change: c.1133del on transcript NM_000059.4 (MANE Select); coding-DNA position 1133, one base deleted (G; older notation c.1133delG).
Protein change: p.Ser378fs; shifts the reading frame from serine 378.
Molecular consequence: frameshift variant.
Genome position (GRCh38, 1-based): chr13:32,332,611, G deleted. VCF-style (leftmost placement, unchanged base first): chr13-32332610-AG-A. GRCh37 (hg19) VCF-style: chr13-32906747-AG-A.
Other names: c.1133delG, p.Ser378Metfs (NM_001406719.1, NM_001406720.1, NM_001406721.1); short protein forms S378fs.
Identifiers: ClinVar variation 1729076 (VCV001729076.2), dbSNP rs2548519617, ClinGen allele CA2580086935.